The following is an entry in ClinVar:

ClinVar aggregate classification (germline): Uncertain significance (1 of 4 stars; one submission).

Conditions:
Microcephaly, normal intelligence and immunodeficiency (NBS). Also called: BERLIN BREAKAGE SYNDROME; Immunodeficiency, microcephaly with normal intelligence; IMMUNODEFICIENCY, MICROCEPHALY, AND CHROMOSOMAL INSTABILITY; SEEMANOVA SYNDROME II; Nijmegen breakage syndrome; Microcephaly with normal intelligence immunodeficiency and lymphoreticular malignancies. Identifiers: Orphanet 647, MedGen C0398791, MONDO:0009623, OMIM 251260.

Submission:

Labcorp Genetics (formerly Invitae), Labcorp
Classification: Uncertain significance for Microcephaly, normal intelligence and immunodeficiency. Last evaluated: 2024-01-06. Review status: criteria provided, single submitter. Criteria: Invitae Variant Classification Sherloc (09022015). Collection method: clinical testing. Allele origin: unknown.
Comment: A copy number gain of the genomic region encompassing the full coding sequence of the NBN gene has been identified. The boundaries of this event are unknown as they extend beyond the assayed region for this gene and therefore may encompass additional genes. As the precise location of this event is unknown, it may be in tandem or it may be located elsewhere in the genome. This variant has not been reported in the literature in individuals affected with NBN-related conditions. Experimental studies and prediction algorithms are not available or were not evaluated, and the functional significance of this variant is currently unknown. In summary, the available evidence is currently insufficient to determine the role of this variant in disease. Therefore, it has been classified as a Variant of Uncertain Significance.

NC_000008.10:g.(?_90947810)_(91064125_?)dup

Genes: DECR1 (2,4-dienoyl-CoA reductase 1; plus strand), NBN (nibrin; minus strand). Cytogenetic location: 8q21.3.
Variant type: Duplication.
Identifiers: ClinVar variation 3245498 (VCV003245498.1).